The following is an entry in ClinVar:

NM_006096.4(NDRG1):c.40A>T (p.Lys14Ter)

Gene: NDRG1 (N-myc downstream regulated 1; minus strand). Cytogenetic location: 8q24.22.
Variant type: single nucleotide variant.
Coding change: c.40A>T on transcript NM_006096.4 (MANE Select); coding-DNA position 40, A replaced by T.
Protein change: p.Lys14Ter; replaces lysine 14 with a stop codon.
Molecular consequence: nonsense. On other transcripts: 5 prime UTR variant (1), intron variant (2).
Genome position (GRCh38, 1-based): chr8:133,284,272, T>A on the plus strand (A>T on the coding strand, the complement: NDRG1 is on the minus strand). VCF-style: chr8-133284272-T-A. GRCh37 (hg19) VCF-style: chr8-134296515-T-A.
Other names: c.40A>T, p.Lys14Ter (NM_001135242.2, NM_001374844.1, NM_001374845.1 and 1 more transcripts); c.-98A>T (NM_001258433.2); c.-100+12862A>T (NM_001258432.2); c.-135-4005A>T (NM_001374847.1); short protein forms K14*.
Identifiers: ClinVar variation 2788864 (VCV002788864.4), dbSNP rs2538131347, ClinGen allele CA372248814.

ClinVar aggregate classification (germline): Pathogenic/Likely pathogenic. Review status: criteria provided, multiple submitters, no conflicts (2 of 4 stars). 2 submissions from 2 submitters: Pathogenic (1); Likely pathogenic (1). Last evaluated 2025-06-18.

Conditions:
Charcot-Marie-Tooth disease type 4D. Also called: NEUROPATHY, HEREDITARY MOTOR AND SENSORY, LOM TYPE; CHARCOT-MARIE-TOOTH DISEASE, DEMYELINATING, TYPE 4D; CHARCOT-MARIE-TOOTH DISEASE, DEMYELINATING, AUTOSOMAL RECESSIVE, TYPE 4D; Charcot-Marie-Tooth Neuropathy Type 4D. Identifiers: Orphanet 99950, MedGen C1832334, MONDO:0011085, OMIM 601455.
Charcot-Marie-Tooth disease type 4. Also called: Charcot-Marie-Tooth, Type 4; Charcot-Marie-Tooth disease, type IV. Identifiers: Orphanet 64749, MedGen C4082197, MONDO:0018995.

Submissions (2):

Natera, Inc.
Classification: Likely pathogenic for Charcot-Marie-Tooth disease type 4D. Last evaluated: 2025-06-18. Review status: criteria provided, single submitter. Criteria: Natera Variant Classification Schema (03/2026). Collection method: clinical testing. Allele origin: germline.
Comment: The c.40A>T variant in NDRG1 is a nonsense variant predicted to introduce a stop codon at amino acid 14. This variant is expected to result in nonsense mediated decay, truncation, or a dysfunctional protein product. This variant is rare in the general population with a frequency below the threshold expected for the associated phenotype(s). Given the available evidence, this variant is classified as Likely Pathogenic.

Labcorp Genetics (formerly Invitae), Labcorp
Classification: Pathogenic for Charcot-Marie-Tooth disease type 4. Last evaluated: 2024-01-03. Review status: criteria provided, single submitter. Criteria: Invitae Variant Classification Sherloc (09022015). Collection method: clinical testing. Allele origin: germline.
Comment: This sequence change creates a premature translational stop signal (p.Lys14*) in the NDRG1 gene. It is expected to result in an absent or disrupted protein product. Loss-of-function variants in NDRG1 are known to be pathogenic (PMID: 12872253, 23996628). This variant is not present in population databases (gnomAD no frequency). This variant has not been reported in the literature in individuals affected with NDRG1-related conditions. For these reasons, this variant has been classified as Pathogenic.

Literature cited by the submitters: PubMed 12872253 (cited by Labcorp Genetics (formerly Invitae), Labcorp); PubMed 23996628 (cited by Labcorp Genetics (formerly Invitae), Labcorp).